The following is an entry in ClinVar:

ClinVar aggregate classification (germline): Uncertain significance (1 of 4 stars; one submission).

Allele frequency attached by ClinVar (database versions not stated): TOPMed below 0.00001; gnomAD 0.00001; ExAC 0.00002; gnomAD exomes 0.00002.
gnomAD v4.1: 33 of 1,613,698 alleles (0.002%); highest among the groups gnomAD compares: Non-Finnish European, 0.0025%; no homozygotes.

Submission:

Labcorp Genetics (formerly Invitae), Labcorp
Classification: Uncertain significance. Last evaluated: 2025-04-18. Review status: criteria provided, single submitter. Criteria: Invitae Variant Classification Sherloc (09022015). Collection method: clinical testing. Allele origin: germline.
Comment: This sequence change replaces valine, which is neutral and non-polar, with methionine, which is neutral and non-polar, at codon 1945 of the DSCAML1 protein (p.Val1945Met). This variant is present in population databases (rs766925132, gnomAD 0.005%). This variant has not been reported in the literature in individuals affected with DSCAML1-related conditions. ClinVar contains an entry for this variant (Variation ID: 1945220). An algorithm developed to predict the effect of missense changes on protein structure and function (PolyPhen-2) suggests that this variant is likely to be tolerated. In summary, the available evidence is currently insufficient to determine the role of this variant in disease. Therefore, it has been classified as a Variant of Uncertain Significance.

NM_020693.4(DSCAML1):c.5653G>A (p.Val1885Met)

Gene: DSCAML1 (DS cell adhesion molecule like 1; minus strand). Cytogenetic location: 11q23.3.
Variant type: single nucleotide variant.
Coding change: c.5653G>A on transcript NM_020693.4 (MANE Select); coding-DNA position 5653, G replaced by A.
Protein change: p.Val1885Met; replaces valine 1885 with methionine.
Molecular consequence: missense variant.
Genome position (GRCh38, 1-based): chr11:117,430,755, C>T on the plus strand (G>A on the coding strand, the complement: DSCAML1 is on the minus strand). VCF-style: chr11-117430755-C-T. GRCh37 (hg19) VCF-style: chr11-117301471-C-T.
Other names: short protein forms V1885M.
Identifiers: ClinVar variation 1945220 (VCV001945220.5), dbSNP rs766925132, ClinGen allele CA6296021.